The following is an entry in ClinVar:

ClinVar aggregate classification (germline): Uncertain significance. Review status: criteria provided, multiple submitters, no conflicts (2 of 4 stars). 6 submissions from 6 submitters: Uncertain significance (5). 1 of the submissions does not count toward it. Last evaluated 2025-06-20.

Conditions:
Cardiomyopathy, dilated, 2E. Identifiers: MedGen C5561970, MONDO:0030366, OMIM 619492.
Hypertrophic cardiomyopathy 17. Identifiers: MedGen C3151264, MONDO:0013474, OMIM 613873.
Cardiovascular phenotype. Identifiers: MedGen CN230736.
Hypertrophic cardiomyopathy. Also called: HYPERTROPHIC MYOCARDIOPATHY. Identifiers: Orphanet 217569, MedGen C0007194, MeSH D002312, MONDO:0005045, HP:0001639.

Allele frequency attached by ClinVar (database versions not stated): TOPMed below 0.00001; gnomAD exomes 0.00002 and 0.00004; gnomAD 0.00003 and 0.00004; ExAC 0.00004.
gnomAD v4.1: 36 of 1,612,104 alleles (0.0022%); highest among the groups gnomAD compares: Non-Finnish European, 0.000085%; no homozygotes.

Submissions (6):

Labcorp Genetics (formerly Invitae), Labcorp
Classification: Uncertain significance for Hypertrophic cardiomyopathy. Last evaluated: 2025-06-20. Review status: criteria provided, single submitter. Criteria: Invitae Variant Classification Sherloc (09022015). Collection method: clinical testing. Allele origin: germline.
Comment: This sequence change creates a premature translational stop signal (p.Gln428*) in the JPH2 gene. It is expected to result in an absent or disrupted protein product. However, the current clinical and genetic evidence is not sufficient to establish whether loss-of-function variants in JPH2 cause disease. This variant is present in population databases (rs199896820, gnomAD 0.05%). This premature translational stop signal has been observed in individual(s) with dilated cardiomyopathy (PMID: 30384889). ClinVar contains an entry for this variant (Variation ID: 222657). In summary, the available evidence is currently insufficient to determine the role of this variant in disease. Therefore, it has been classified as a Variant of Uncertain Significance.

Blueprint Genetics
Classification: Uncertain significance. Last evaluated: 2023-07-27. Review status: criteria provided, single submitter. Criteria: ACMG Guidelines, 2015. Collection method: clinical testing. Allele origin: germline.

Ambry Genetics
Classification: Uncertain significance for Cardiovascular phenotype. Last evaluated: 2023-05-17. Review status: criteria provided, single submitter. Criteria: Ambry Variant Classification Scheme 2023. Collection method: clinical testing. Allele origin: germline.
Comment: The p.Q428* variant (also known as c.1282C>T), located in coding exon 3 of the JPH2 gene, results from a C to T substitution at nucleotide position 1282. This changes the amino acid from a glutamine to a stop codon within coding exon 3. This variant has been detected in the homozygous state in a pediatric case with severe dilated cardiomyopathy requiring transplant; heterozygous relatives were indicated as unaffected (Vasilescu C et al. J Am Coll Cardiol, 2018 Nov;72:2324-2338). This alteration is expected to result in loss of function by premature protein truncation or nonsense-mediated mRNA decay. Although biallelic loss of function alterations in JPH2 have been associated with autosomal recessive dilated cardiomyopathy, haploinsufficiency for JPH2 has not been clearly established as a mechanism of disease for autosomal dominant hypertrophic cardiomyopathy. Based on the supporting evidence, this variant is expected to be causative of autosomal recessive dilated cardiomyopathy when present along with a second pathogenic variant on the other allele; however, its clinical significance for autosomal dominant hypertrophic cardiomyopathy is unclear.

SIB Swiss Institute of Bioinformatics
Classification: Uncertain significance for Cardiomyopathy, dilated, 2E. Last evaluated: 2022-02-23. Review status: criteria provided, single submitter. Criteria: ACMG Guidelines, 2015. Collection method: curation. Allele origin: unknown.
Comment: This variant is interpreted as a variant of uncertain significance for Cardiomyopathy, dilated, 2E, autosomal recessive. The following ACMG Tag(s) were applied: Absent from controls (or at extremely low frequency if recessive) in Exome Sequencing Project, 1000 Genomes Project, or Exome Aggregation Consortium (PM2); Predicted nullvariant in a gene where LOF is a known mechanism of disease (PVS1 downgraded to moderate).

Fulgent Genetics
Classification: Uncertain significance for Hypertrophic cardiomyopathy 17; Cardiomyopathy, dilated, 2E. Last evaluated: 2021-07-13. Review status: criteria provided, single submitter. Criteria: ACMG Guidelines, 2015. Collection method: clinical testing. Allele origin: unknown.

OMIM
Classification: Pathogenic for CARDIOMYOPATHY, DILATED, 2E. Last evaluated: 2021-08-18. Review status: no assertion criteria provided. Collection method: literature only. Allele origin: germline. Not counted in ClinVar's aggregate classification.

Literature cited by the submitters: PubMed 30384889 (cited by 4 submitters).

NM_020433.5(JPH2):c.1282C>T (p.Gln428Ter)

Gene: JPH2 (junctophilin 2; minus strand). Cytogenetic location: 20q13.12.
Variant type: single nucleotide variant.
Coding change: c.1282C>T on transcript NM_020433.5 (MANE Select); coding-DNA position 1282, C replaced by T.
Protein change: p.Gln428Ter; replaces glutamine 428 with a stop codon.
Molecular consequence: nonsense.
Genome position (GRCh38, 1-based): chr20:44,118,511, G>A on the plus strand (C>T on the coding strand, the complement: JPH2 is on the minus strand). VCF-style: chr20-44118511-G-A. GRCh37 (hg19) VCF-style: chr20-42747151-G-A.
Other names: short protein forms Q428*.
Identifiers: ClinVar variation 222657 (VCV000222657.8), dbSNP rs199896820, ClinGen allele CA088112.